The following is an entry in ClinVar:

NM_000245.4(MET):c.3859G>C (p.Val1287Leu)

Gene: MET (MET proto-oncogene, receptor tyrosine kinase; plus strand). Cytogenetic location: 7q31.2.
Variant type: single nucleotide variant.
Coding change: c.3859G>C on transcript NM_000245.4 (MANE Select); coding-DNA position 3859, G replaced by C.
Protein change: p.Val1287Leu; replaces valine 1287 with leucine.
Molecular consequence: missense variant.
Genome position (GRCh38, 1-based): chr7:116,795,715, G>C. VCF-style: chr7-116795715-G-C. GRCh37 (hg19) VCF-style: chr7-116435769-G-C.
Other names: c.3913G>C, p.Val1305Leu (NM_001127500.3); c.2569G>C, p.Val857Leu (NM_001324402.2); short protein forms V857L, V1305L, V1287L.
Identifiers: ClinVar variation 4741124 (VCV004741124.1).

ClinVar aggregate classification (germline): Uncertain significance (1 of 4 stars; one submission).

Conditions:
Renal cell carcinoma. Identifiers: Orphanet 217071, MedGen C0007134, MeSH D002292, MONDO:0005086, HP:0005584.

Submission:

Labcorp Genetics (formerly Invitae), Labcorp
Classification: Uncertain significance for Renal cell carcinoma. Last evaluated: 2026-01-10. Review status: criteria provided, single submitter. Criteria: Invitae Variant Classification Sherloc (09022015). Collection method: clinical testing. Allele origin: germline.
Comment: This sequence change replaces valine, which is neutral and non-polar, with leucine, which is neutral and non-polar, at codon 1305 of the MET protein (p.Val1305Leu). This variant is not present in population databases (gnomAD no frequency). This variant has not been reported in the literature in individuals affected with MET-related conditions. Invitae Evidence Modeling of protein sequence and biophysical properties (such as structural, functional, and spatial information, amino acid conservation, physicochemical variation, residue mobility, and thermodynamic stability) indicates that this missense variant is expected to disrupt MET protein function with a positive predictive value of 80%. In summary, the available evidence is currently insufficient to determine the role of this variant in disease. Therefore, it has been classified as a Variant of Uncertain Significance.